The following is an entry in ClinVar:

ClinVar aggregate classification (germline): Uncertain significance (1 of 4 stars; one submission).

Allele frequency attached by ClinVar (database versions not stated): gnomAD 0.00001; TOPMed 0.00001.

Submission:

Labcorp Genetics (formerly Invitae), Labcorp
Classification: Uncertain significance. Last evaluated: 2025-01-27. Review status: criteria provided, single submitter. Criteria: Invitae Variant Classification Sherloc (09022015). Collection method: clinical testing. Allele origin: germline.
Comment: This sequence change replaces arginine, which is basic and polar, with histidine, which is basic and polar, at codon 140 of the TBXA2R protein (p.Arg140His). This variant is present in population databases (no rsID available, gnomAD 0.003%). This variant has not been reported in the literature in individuals affected with TBXA2R-related conditions. ClinVar contains an entry for this variant (Variation ID: 3010369). Invitae Evidence Modeling of protein sequence and biophysical properties (such as structural, functional, and spatial information, amino acid conservation, physicochemical variation, residue mobility, and thermodynamic stability) indicates that this missense variant is not expected to disrupt TBXA2R protein function with a negative predictive value of 80%. In summary, the available evidence is currently insufficient to determine the role of this variant in disease. Therefore, it has been classified as a Variant of Uncertain Significance.

NM_001060.6(TBXA2R):c.419G>A (p.Arg140His)

Gene: TBXA2R (thromboxane A2 receptor; minus strand). Cytogenetic location: 19p13.3.
Variant type: single nucleotide variant.
Coding change: c.419G>A on transcript NM_001060.6 (MANE Select); coding-DNA position 419, G replaced by A.
Protein change: p.Arg140His; replaces arginine 140 with histidine.
Molecular consequence: missense variant.
Genome position (GRCh38, 1-based): chr19:3,600,216, C>T on the plus strand (G>A on the coding strand, the complement: TBXA2R is on the minus strand). VCF-style: chr19-3600216-C-T. GRCh37 (hg19) VCF-style: chr19-3600214-C-T.
Other names: c.419G>A, p.Arg140His (NM_201636.3); short protein forms R140H.
Identifiers: ClinVar variation 3010369 (VCV003010369.3), dbSNP rs1375926265, ClinGen allele CA403334521.